The following is an entry in ClinVar:

NM_001122819.3(KIF17):c.771C>T (p.Leu257=)

Gene: KIF17 (kinesin family member 17; minus strand). Cytogenetic location: 1p36.12.
Variant type: single nucleotide variant.
Coding change: c.771C>T on transcript NM_001122819.3 (MANE Select); coding-DNA position 771, C replaced by T.
Protein change: p.Leu257=; no amino-acid change (leucine 257 retained).
Molecular consequence: synonymous variant.
Genome position (GRCh38, 1-based): chr1:20,704,799, G>A on the plus strand (C>T on the coding strand, the complement: KIF17 is on the minus strand). VCF-style: chr1-20704799-G-A. GRCh37 (hg19) VCF-style: chr1-21031292-G-A.
Other names: c.471C>T, p.Leu157= (NM_001287212.2); c.771C>T, p.Leu257= (NM_020816.4).
Identifiers: ClinVar variation 3388537 (VCV003388537.14).
Genomic context (GRCh38, chr1:20,704,799, plus strand): 5'-CAGCGCCGAGATGACATTGCCCAGTGCCGAGAGCGACAGGTTGATCTTGGTGGCCTCCTT[G>A]AGCCGCTCGCCCGTGGCCCCGGTCTTGGACTGCCGCTCGCTGCCCGCCAGGTCCACCAGG-3'
Protein context (NP_001116291.1, residues 247-267): QSKTGATGER[Leu257=]KEATKINLSL

ClinVar aggregate classification (germline): Likely benign (1 of 4 stars; one submission).

gnomAD v4.1: 210 of 1,609,450 alleles (0.013%); highest among the groups gnomAD compares: Middle Eastern, 0.17%; no homozygotes.

Submission:

CeGaT Center for Human Genetics Tuebingen
Classification: Likely benign. Last evaluated: 2024-11-01. Review status: criteria provided, single submitter. Criteria: CeGaT Center For Human Genetics Tuebingen Variant Classification Criteria Version 2. Collection method: clinical testing. Allele origin: germline. Affected: yes. Observed: 1 variant allele.
Comment: KIF17: BP4, BP7